The following is an entry in ClinVar:

NM_001378457.1(DMXL2):c.788G>A (p.Gly263Asp)

Gene: DMXL2 (Dmx like 2; minus strand). Cytogenetic location: 15q21.2.
Variant type: single nucleotide variant.
Coding change: c.788G>A on transcript NM_001378457.1 (MANE Select); coding-DNA position 788, G replaced by A.
Protein change: p.Gly263Asp; replaces glycine 263 with aspartic acid.
Molecular consequence: missense variant. On other transcripts: non-coding transcript variant (2).
Genome position (GRCh38, 1-based): chr15:51,545,725, C>T on the plus strand (G>A on the coding strand, the complement: DMXL2 is on the minus strand). VCF-style: chr15-51545725-C-T. GRCh37 (hg19) VCF-style: chr15-51837922-C-T.
Other names: c.788G>A, p.Gly263Asp (NM_001174116.3, NM_001174117.3, NM_001378458.1 and 7 more transcripts); c.788G>A (NM_001174116.1); short protein forms G263D.
Identifiers: ClinVar variation 2178715 (VCV002178715.28), dbSNP rs530791761, ClinGen allele CA7562732.

ClinVar aggregate classification (germline): Conflicting classifications of pathogenicity. Review status: criteria provided, conflicting classifications (1 of 4 stars). 4 submissions from 4 submitters: Uncertain significance (3); Likely benign (1). Last evaluated 2025-11-08.

Conditions:
Nonsyndromic genetic hearing loss. Also called: Nonsyndromic hearing loss and deafness; Nonsyndromic genetic deafness; Non-syndromic genetic deafness. Identifiers: Orphanet 87884, MedGen C5680182, MONDO:0019497.
Inborn genetic diseases. Identifiers: MedGen C0950123, MeSH D030342.

Allele frequency attached by ClinVar (database versions not stated): TOPMed 0.00003; gnomAD 0.00005; ExAC 0.00008.

Submissions (4):

Ambry Genetics
Classification: Uncertain significance for Inborn genetic diseases. Last evaluated: 2025-11-08. Review status: criteria provided, single submitter. Criteria: Ambry Variant Classification Scheme 2023. Collection method: clinical testing. Allele origin: germline.

CeGaT Center for Human Genetics Tuebingen
Classification: Likely benign. Last evaluated: 2023-09-01. Review status: criteria provided, single submitter. Criteria: CeGaT Center For Human Genetics Tuebingen Variant Classification Criteria Version 2. Collection method: clinical testing. Allele origin: germline. Affected: yes. Observed: 1 variant allele.
Comment: DMXL2: BS2

Labcorp Genetics (formerly Invitae), Labcorp
Classification: Uncertain significance. Last evaluated: 2022-07-13. Review status: criteria provided, single submitter. Criteria: Invitae Variant Classification Sherloc (09022015). Collection method: clinical testing. Allele origin: germline.
Comment: This sequence change replaces glycine, which is neutral and non-polar, with aspartic acid, which is acidic and polar, at codon 263 of the DMXL2 protein (p.Gly263Asp). This variant is present in population databases (rs530791761, gnomAD 0.008%). This variant has not been reported in the literature in individuals affected with DMXL2-related conditions. Algorithms developed to predict the effect of missense changes on protein structure and function are either unavailable or do not agree on the potential impact of this missense change (SIFT: "Tolerated"; PolyPhen-2: "Probably Damaging"; Align-GVGD: "Class C0"). In summary, the available evidence is currently insufficient to determine the role of this variant in disease. Therefore, it has been classified as a Variant of Uncertain Significance.

Department of Pathology and Laboratory Medicine, Sinai Health System
Classification: Uncertain significance for nonsyndromic genetic hearing loss. Last evaluated: 2022-07-04. Review status: criteria provided, single submitter. Criteria: ACMG Guidelines, 2015. Collection method: research. Allele origin: germline.